The following is an entry in ClinVar:

ClinVar aggregate classification (germline): Uncertain significance (1 of 4 stars; one submission).

Conditions:
Inborn genetic diseases. Identifiers: MedGen C0950123, MeSH D030342.

Submission:

Ambry Genetics
Classification: Uncertain significance for Inborn genetic diseases. Last evaluated: 2024-10-18. Review status: criteria provided, single submitter. Criteria: Ambry Variant Classification Scheme 2023. Collection method: clinical testing. Allele origin: germline.
Comment: The c.2334_2393del60 (p.T790_S809del) alteration is located in exon 3 (coding exon 3) of the SON gene. This alteration consists of an in-frame deletion of 60 nucleotides between nucleotide positions c.2334 and c.2393, resulting in the deletion of 20 residues. Based on insufficient or conflicting evidence, the clinical significance of this alteration remains unclear.

NM_138927.4(SON):c.2334_2393del (p.Thr790_Ser809del)

Gene: SON (SON DNA and RNA binding protein; plus strand). Cytogenetic location: 21q22.11.
Variant type: Deletion.
Coding change: c.2334_2393del on transcript NM_138927.4 (MANE Select); coding-DNA positions 2334 to 2393, 60 bases deleted.
Protein change: p.Thr790_Ser809del.
Molecular consequence: non-coding transcript variant (on NR_103797.2). On other transcripts: intron variant (1).
Genome position (GRCh38, 1-based): chr21:33,551,565-33,551,624, 60 bases deleted. GRCh37 (hg19): chr21:34,923,871-34,923,930.
Other names: c.2334_2393del, p.Thr790_Ser809del (NM_001291411.2, NM_032195.3); c.244+5186_244+5245del (NM_001291412.3).
Identifiers: ClinVar variation 3447145 (VCV003447145.1).